The following is an entry in ClinVar:

NM_001382.4(DPAGT1):c.1162A>C (p.Ile388Leu)

Gene: DPAGT1 (dolichyl-phosphate N-acetylglucosaminephosphotransferase 1; minus strand). Cytogenetic location: 11q23.3.
Variant type: single nucleotide variant.
Coding change: c.1162A>C on transcript NM_001382.4 (MANE Select); coding-DNA position 1162, A replaced by C.
Protein change: p.Ile388Leu; replaces isoleucine 388 with leucine.
Molecular consequence: missense variant.
Genome position (GRCh38, 1-based): chr11:119,097,063, T>G on the plus strand (A>C on the coding strand, the complement: DPAGT1 is on the minus strand). VCF-style: chr11-119097063-T-G. GRCh37 (hg19) VCF-style: chr11-118967773-T-G.
Other names: short protein forms I388L.
Identifiers: ClinVar variation 1518352 (VCV001518352.8), dbSNP rs2134897349, ClinGen allele CA382907703.

ClinVar aggregate classification (germline): Uncertain significance (1 of 4 stars; one submission).

Conditions:
DPAGT1-congenital disorder of glycosylation. Also called: CONGENITAL DISORDER OF GLYCOSYLATION, TYPE Ij; CDG Ij; DPAGT1-CDG. Identifiers: Orphanet 86309, MedGen C2931004, MONDO:0011964, OMIM 608093.
Congenital myasthenic syndrome 13 (CMS13). Also called: Myasthenic syndrome, congenital, 13, with tubular aggregates; Myasthenic syndrome, congenital, with tubular aggregates 2. Identifiers: Orphanet 353327, Orphanet 590, MedGen C3553645, MONDO:0013883, OMIM 614750.

Submission:

Labcorp Genetics (formerly Invitae), Labcorp
Classification: Uncertain significance for Congenital myasthenic syndrome 13; DPAGT1-congenital disorder of glycosylation. Last evaluated: 2021-03-22. Review status: criteria provided, single submitter. Criteria: Invitae Variant Classification Sherloc (09022015). Collection method: clinical testing. Allele origin: germline.
Comment: In summary, the available evidence is currently insufficient to determine the role of this variant in disease. Therefore, it has been classified as a Variant of Uncertain Significance. Algorithms developed to predict the effect of missense changes on protein structure and function (SIFT, PolyPhen-2, Align-GVGD) all suggest that this variant is likely to be tolerated, but these predictions have not been confirmed by published functional studies and their clinical significance is uncertain. This variant has not been reported in the literature in individuals with DPAGT1-related conditions. This variant is not present in population databases (ExAC no frequency). This sequence change replaces isoleucine with leucine at codon 388 of the DPAGT1 protein (p.Ile388Leu). The isoleucine residue is weakly conserved and there is a small physicochemical difference between isoleucine and leucine.